The following is an entry in ClinVar:

NM_000444.6(PHEX):c.425G>C (p.Cys142Ser)

Gene: PHEX (phosphate regulating endopeptidase X-linked; plus strand). Cytogenetic location: Xp22.11.
Variant type: single nucleotide variant.
Coding change: c.425G>C on transcript NM_000444.6 (MANE Select); coding-DNA position 425, G replaced by C.
Protein change: p.Cys142Ser; replaces cysteine 142 with serine.
Molecular consequence: missense variant.
Genome position (GRCh38, 1-based): chrX:22,076,463, G>C. VCF-style: chrX-22076463-G-C. GRCh37 (hg19) VCF-style: chrX-22094581-G-C.
Other names: c.425G>C, p.Cys142Ser (NM_001282754.2); short protein forms C142S.
Identifiers: ClinVar variation 424579 (VCV000424579.12), dbSNP rs1064797048, ClinGen allele CA16621309.

ClinVar aggregate classification (germline): Conflicting classifications of pathogenicity. Review status: criteria provided, conflicting classifications (1 of 4 stars). 3 submissions from 3 submitters: Pathogenic (1); Likely pathogenic (1); Uncertain significance (1). Last evaluated 2026-03-10.

Conditions:
Familial X-linked hypophosphatemic vitamin D refractory rickets (XLHRD). Also called: Hypophosphatemic Rickets, X-Linked Dominant; Hypophosphatemia, vitamin D-resistant rickets; Vitamin D-resistant rickets, X-linked; X-Linked Hypophosphatemia; HYPOPHOSPHATEMIC VITAMIN D-RESISTANT RICKETS. Identifiers: Orphanet 89936, MedGen C0733682, MONDO:0010619, OMIM 307800.

Submissions (3):

Clinical Biomedical Laboratory, Shriners Hospital For Children - Canada
Classification: Likely pathogenic for Familial X-linked hypophosphatemic vitamin D refractory rickets. Last evaluated: 2026-03-10. Review status: criteria provided, single submitter. Criteria: ACMG Guidelines, 2015. Collection method: clinical testing. Allele origin: germline. Affected: yes.
Comment: In the Genome Aggregation Database (gnomAD v2.1.1) this variant is not present. Computational tools (REVEL 0.95) predict the change is detrimental to protein function. A variant affecting the same amino acid has been submitted as pathogenic in ClinVar. This variant has been reported in the literature as a cause of hypophosphatemic rickets. Based on the ACMG variant interpretation guidelines, the available evidence supports classification of this variant as likely pathogenic.

Labcorp Genetics (formerly Invitae), Labcorp
Classification: Pathogenic. Last evaluated: 2022-11-29. Review status: criteria provided, single submitter. Criteria: Invitae Variant Classification Sherloc (09022015). Collection method: clinical testing. Allele origin: germline.
Comment: ClinVar contains an entry for this variant (Variation ID: 424579). Advanced modeling of protein sequence and biophysical properties (such as structural, functional, and spatial information, amino acid conservation, physicochemical variation, residue mobility, and thermodynamic stability) performed at Invitae indicates that this missense variant is expected to disrupt PHEX protein function. This variant disrupts the p.Cys142 amino acid residue in PHEX. Other variant(s) that disrupt this residue have been observed in individuals with PHEX-related conditions (PMID: 10439971, 25086671), which suggests that this may be a clinically significant amino acid residue. For these reasons, this variant has been classified as Pathogenic. This sequence change replaces cysteine, which is neutral and slightly polar, with serine, which is neutral and polar, at codon 142 of the PHEX protein (p.Cys142Ser). This variant is not present in population databases (gnomAD no frequency). This missense change has been observed in individual(s) with clinical features of hhypophosphatemic rickets (PMID: 32253725).

GeneDx
Classification: Uncertain significance. Last evaluated: 2017-03-23. Review status: criteria provided, single submitter. Criteria: GeneDx Variant Classification (06012015). Collection method: clinical testing. Allele origin: germline. Affected: yes.
Comment: The C142S variant has been reported previously in a patient with X-linked hypophosphatemic rickets (Lo et al., 2006) with limited evidence for pathogenicity. C142S is not observed in large population cohorts (Lek et al., 2016; 1000 Genomes Consortium et al., 2015; Exome Variant Server). It is a non-conservative amino acid substitution, which is likely to impact secondary protein structure as these residues differ in polarity, charge, size and/or other properties. This substitution occurs at a position that is conserved across species and in silico analysis predicts this variant is probably damaging to the protein structure/function. Additionally, missense variants at the same (C142F/R) and in nearby residues (L138P) have been reported in the Human Gene Mutation Database in association with hypophosphatemic rickets (Stenson et al., 2014), supporting the functional importance of this region of the protein. However, based on the currently available information, it is unclear whether this variant is a pathogenic variant or a rare benign variant.

Literature cited by the submitters: PubMed 10439971 (cited by Labcorp Genetics (formerly Invitae), Labcorp); PubMed 25086671 (cited by Labcorp Genetics (formerly Invitae), Labcorp); PubMed 32253725 (cited by Labcorp Genetics (formerly Invitae), Labcorp).